The following is an entry in ClinVar:

NM_003721.4(RFXANK):c.565-1del

Gene: RFXANK (regulatory factor X associated ankyrin containing protein; plus strand). Cytogenetic location: 19p13.11.
Variant type: Deletion.
Coding change: c.565-1del on transcript NM_003721.4 (MANE Select); the canonical splice acceptor site of the intron before coding-DNA position 565, one base deleted (G; older notation c.565-1delG).
Molecular consequence: splice acceptor variant.
Genome position (GRCh38, 1-based): chr19:19,198,656, G deleted. VCF-style (leftmost placement, unchanged base first): chr19-19198655-AG-A. GRCh37 (hg19) VCF-style: chr19-19309464-AG-A.
Other names: c.499-1del (NM_001278727.2, NM_001370234.1); c.496-1del (NM_134440.3, NM_001278728.2); c.562-1del (NM_001370235.1, NM_001370237.1, NM_001370236.1); c.565-1del (NM_001370238.1, NM_001370233.1).
Identifiers: ClinVar variation 4890785 (VCV004890785.1).

ClinVar aggregate classification (germline): Pathogenic (1 of 4 stars; one submission).

Conditions:
MHC class II deficiency 2. Also called: Bare lymphocyte syndrome, type II, complementation group B. Identifiers: MedGen C1859535, MONDO:0971013, OMIM 620815.

Submission:

Department of Medical Immunology, Beni Messous University Hospital Center
Classification: Pathogenic for MHC class II deficiency 2. Last evaluated: 2026-09-10. Review status: criteria provided, single submitter. Criteria: ACMG Guidelines, 2015. Collection method: research. Allele origin: germline. Affected: yes. Observed: 3 variant alleles.
Comment: Classified according to ACMG/AMP 2015 criteria PVS1, PM2, and PP4. This canonical splice-acceptor variant is predicted to cause loss of function, an established disease mechanism for RFXANK-related MHC class II deficiency. It is absent from gnomAD v4.1.1 and v2.1.1. SpliceAI predicts acceptor loss (delta score 0.97). The variant was identified homozygously in three affected individuals from three unrelated families, all showing complete absence of HLA-DR expression.